The following is an entry in ClinVar:

NM_001035.3(RYR2):c.10356G>T (p.Met3452Ile)

Gene: RYR2 (ryanodine receptor 2; plus strand). Cytogenetic location: 1q43.
Variant type: single nucleotide variant.
Coding change: c.10356G>T on transcript NM_001035.3 (MANE Select); coding-DNA position 10356, G replaced by T.
Protein change: p.Met3452Ile; replaces methionine 3452 with isoleucine.
Molecular consequence: missense variant.
Genome position (GRCh38, 1-based): chr1:237,717,230, G>T. VCF-style: chr1-237717230-G-T. GRCh37 (hg19) VCF-style: chr1-237880530-G-T.
Other names: short protein forms M3452I.
Identifiers: ClinVar variation 4757588 (VCV004757588.1).

ClinVar aggregate classification (germline): Uncertain significance (1 of 4 stars; one submission).

Conditions:
Cardiomyopathy (CMYO). Also called: Cardiomyopathies. Identifiers: Orphanet 167848, MedGen C0878544, MONDO:0004994, HP:0001638. Inheritance: Various modes of inheritance.

gnomAD v4.1: 1 of 1,613,624 alleles (0.000062%); highest among the groups gnomAD compares: African/African-American, 0.0013%; no homozygotes.

Submission:

Color Diagnostics, LLC DBA Color Health
Classification: Uncertain significance for Cardiomyopathy. Last evaluated: 2025-07-14. Review status: criteria provided, single submitter. Criteria: ACMG Guidelines, 2015. Collection method: clinical testing. Allele origin: germline.
Comment: This missense variant replaces methionine with isoleucine at codon 3452 of the RYR2 protein. Computational prediction suggests that this variant may not impact protein structure and function. To our knowledge, functional studies have not been reported for this variant. This variant has not been reported in individuals affected with RYR2-related disorders in the literature. This variant has not been identified in the general population by the Genome Aggregation Database (gnomAD). The available evidence is insufficient to determine the role of this variant in disease conclusively. Therefore, this variant is classified as a Variant of Uncertain Significance.